The following is an entry in ClinVar:

NM_000414.4(HSD17B4):c.113-2224C>A

Gene: HSD17B4 (hydroxysteroid 17-beta dehydrogenase 4; plus strand). Cytogenetic location: 5q23.1.
Variant type: single nucleotide variant.
Coding change: c.113-2224C>A on transcript NM_000414.4 (MANE Select); 2224 bases into the intron before coding-DNA position 113, C replaced by A.
Molecular consequence: intron variant. On other transcripts: nonsense (2), 5 prime UTR variant (2).
Genome position (GRCh38, 1-based): chr5:119,471,684, C>A. VCF-style: chr5-119471684-C-A. GRCh37 (hg19) VCF-style: chr5-118807379-C-A.
Other names: c.171C>A, p.Cys57Ter (NM_001199291.3); c.24C>A, p.Cys8Ter (NM_001292027.2); c.-185C>A (NM_001374499.1); c.-321C>A (NM_001374503.1); c.-304-2224C>A (NM_001374502.1); c.-426-2224C>A (NM_001374500.1); c.-299-2224C>A (NM_001374501.1, NM_001292028.2); c.113-2224C>A (NM_001374498.1, NM_001374497.1); and 1 more; short protein forms C57*, C8*.
Identifiers: ClinVar variation 3898511 (VCV003898511.7).

ClinVar aggregate classification (germline): Uncertain significance (1 of 4 stars; one submission).

gnomAD v4.1: 1 of 1,470,338 alleles (0.000068%); highest among the groups gnomAD compares: Non-Finnish European, 0.000091%; no homozygotes.

Submission:

CeGaT Center for Human Genetics Tuebingen
Classification: Uncertain significance. Last evaluated: 2025-04-01. Review status: criteria provided, single submitter. Criteria: CeGaT Center For Human Genetics Tuebingen Variant Classification Criteria Version 2. Collection method: clinical testing. Allele origin: germline. Affected: yes. Observed: 1 variant allele.
Comment: HSD17B4: PM2, PM3:Supporting